The following is an entry in ClinVar:

NM_002693.3(POLG):c.971C>A (p.Pro324His)

Gene: POLG (DNA polymerase gamma, catalytic subunit; minus strand). Cytogenetic location: 15q26.1.
Variant type: single nucleotide variant.
Coding change: c.971C>A on transcript NM_002693.3 (MANE Select); coding-DNA position 971, C replaced by A.
Protein change: p.Pro324His; replaces proline 324 with histidine.
Molecular consequence: missense variant.
Genome position (GRCh38, 1-based): chr15:89,328,995, G>T on the plus strand (C>A on the coding strand, the complement: POLG is on the minus strand). VCF-style: chr15-89328995-G-T. GRCh37 (hg19) VCF-style: chr15-89872226-G-T.
Other names: c.971C>A, p.Pro324His (NM_001126131.2); short protein forms P324H.
Identifiers: ClinVar variation 2735402 (VCV002735402.3), dbSNP rs764492040, ClinGen allele CA393765564.

ClinVar aggregate classification (germline): Uncertain significance (1 of 4 stars; one submission).

Conditions:
Progressive sclerosing poliodystrophy (MTDPS4A). Also called: ALPERS PROGRESSIVE INFANTILE POLIODYSTROPHY; NEURONAL DEGENERATION OF CHILDHOOD WITH LIVER DISEASE, PROGRESSIVE; Alpers Syndrome; ALPERS DIFFUSE DEGENERATION OF CEREBRAL GRAY MATTER WITH HEPATIC CIRRHOSIS; Alpers-Huttenlocher Syndrome; Mitochondrial DNA depletion syndrome 4A (Alpers type). Identifiers: Orphanet 726, MedGen C0205710, MONDO:0008758, OMIM 203700.

Submission:

Labcorp Genetics (formerly Invitae), Labcorp
Classification: Uncertain significance for Progressive sclerosing poliodystrophy. Last evaluated: 2023-07-03. Review status: criteria provided, single submitter. Criteria: Invitae Variant Classification Sherloc (09022015). Collection method: clinical testing. Allele origin: germline.
Comment: In summary, the available evidence is currently insufficient to determine the role of this variant in disease. Therefore, it has been classified as a Variant of Uncertain Significance. Advanced modeling of protein sequence and biophysical properties (such as structural, functional, and spatial information, amino acid conservation, physicochemical variation, residue mobility, and thermodynamic stability) performed at Invitae indicates that this missense variant is not expected to disrupt POLG protein function. This variant has not been reported in the literature in individuals affected with POLG-related conditions. This variant is not present in population databases (gnomAD no frequency). This sequence change replaces proline, which is neutral and non-polar, with histidine, which is basic and polar, at codon 324 of the POLG protein (p.Pro324His).